The following is an entry in ClinVar:

NM_000143.4(FH):c.904+47G>A

Gene: FH (fumarate hydratase; minus strand). Cytogenetic location: 1q43.
Variant type: single nucleotide variant.
Coding change: c.904+47G>A on transcript NM_000143.4 (MANE Select); 47 bases into the intron after coding-DNA position 904, G replaced by A.
Molecular consequence: intron variant.
Genome position (GRCh38, 1-based): chr1:241,505,956, C>T on the plus strand (G>A on the coding strand, the complement: FH is on the minus strand). VCF-style: chr1-241505956-C-T. GRCh37 (hg19) VCF-style: chr1-241669256-C-T.
Identifiers: ClinVar variation 496849 (VCV000496849.15), dbSNP rs145209119, ClinGen allele CA1478586.

ClinVar aggregate classification (germline): Benign/Likely benign. Review status: criteria provided, multiple submitters, no conflicts (2 of 4 stars). 6 submissions from 5 submitters: Benign (1); Likely benign (5). Last evaluated 2025-03-04.

Conditions:
Fumarase deficiency (FMRD). Also called: Fumarate Hydratase Deficiency; Fumaric aciduria. Identifiers: Orphanet 24, MedGen C0342770, MONDO:0011730, OMIM 606812.
Hereditary leiomyomatosis and renal cell cancer. Also called: FH tumor predisposition syndrome; Multiple cutaneous leiomyomas; MULTIPLE CUTANEOUS AND UTERINE LEIOMYOMATA 1, WITH OR WITHOUT RENAL CELL CARCINOMA; Reed syndrome; Multiple cutaneous and uterine leiomyomatosis; Cutaneous leiomyomata with uterine leiomyomata. Identifiers: Orphanet 523, MedGen C1708350, MONDO:0007888, OMIM 150800, HP:0007437. Disease mechanism: loss of function.

Allele frequency attached by ClinVar (database versions not stated): 1000 Genomes Project 30x 0.00547; 1000 Genomes Project 0.00599; gnomAD exomes 0.01444 and 0.02218; ExAC 0.01449; gnomAD 0.01453 and 0.01502; TOPMed 0.01516; ESP Exome Variant Server 0.01630.

Submissions (6):

Center for Genomic Medicine, Rigshospitalet, Copenhagen University Hospital
Classification: Benign. Last evaluated: 2025-03-04. Review status: criteria provided, single submitter. Criteria: ACMG Guidelines, 2015. Collection method: clinical testing. Allele origin: germline.

Genome-Nilou Lab
Classification: Likely benign for Fumarase deficiency. Last evaluated: 2021-07-01. Review status: criteria provided, single submitter. Criteria: ACMG Guidelines, 2015. Collection method: clinical testing. Allele origin: germline. Affected: no.

Genome-Nilou Lab
Classification: Likely benign for Hereditary leiomyomatosis and renal cell cancer. Last evaluated: 2021-07-01. Review status: criteria provided, single submitter. Criteria: ACMG Guidelines, 2015. Collection method: clinical testing. Allele origin: germline. Affected: no.

GeneDx
Classification: Likely benign. Last evaluated: 2018-06-12. Review status: criteria provided, single submitter. Criteria: GeneDx Variant Classification (06012015). Collection method: clinical testing. Allele origin: germline. Affected: yes.
Comment: This variant is considered likely benign or benign based on one or more of the following criteria: it is a conservative change, it occurs at a poorly conserved position in the protein, it is predicted to be benign by multiple in silico algorithms, and/or has population frequency not consistent with disease.

Eurofins Ntd Llc (ga)
Classification: Likely benign. Last evaluated: 2017-02-09. Review status: criteria provided, single submitter. Criteria: EGL Classification Definitions 2015. Collection method: clinical testing. Allele origin: germline. Observed: 2 variant alleles, 1 heterozygote, 1 homozygote.

Breakthrough Genomics
Classification: Likely benign. Review status: criteria provided, single submitter. Criteria: ACMG Guidelines, 2015. Collection method: not provided. Allele origin: germline. Inheritance: Autosomal recessive inheritance. Affected: yes.